The following is an entry in ClinVar:

ClinVar aggregate classification (germline): Pathogenic. Review status: criteria provided, single submitter (1 of 4 stars). 2 submissions from 2 submitters: Pathogenic (1). 1 of the submissions does not count toward it. Last evaluated 2023-11-07.

Conditions:
Usher syndrome. Also called: Usher Syndromes; Usher's syndrome. Identifiers: Orphanet 886, MedGen CN469326, MeSH D052245, MONDO:0019501. Disease mechanism: loss of function.

Allele frequency attached by ClinVar (database versions not stated): gnomAD exomes below 0.00001.
gnomAD v4.1: 3 of 1,610,020 alleles (0.00019%); highest among the groups gnomAD compares: Non-Finnish European, 0.00017%; no homozygotes.

Submissions (2):

Labcorp Genetics (formerly Invitae), Labcorp
Classification: Pathogenic. Last evaluated: 2023-11-07. Review status: criteria provided, single submitter. Criteria: Invitae Variant Classification Sherloc (09022015). Collection method: clinical testing. Allele origin: germline.
Comment: This sequence change creates a premature translational stop signal (p.Ser2936*) in the ADGRV1 gene. It is expected to result in an absent or disrupted protein product. Loss-of-function variants in ADGRV1 are known to be pathogenic (PMID: 19357117, 22135276, 22147658, 26226137, 30718709, 31047384, 32467589). This variant is not present in population databases (gnomAD no frequency). This premature translational stop signal has been observed in individual(s) with Usher syndrome (PMID: 28041643). ClinVar contains an entry for this variant (Variation ID: 438171). For these reasons, this variant has been classified as Pathogenic.

NIHR Bioresource Rare Diseases, University of Cambridge
Classification: Likely pathogenic for Usher syndrome. Last evaluated: 2015-01-01. Review status: no assertion criteria provided. Collection method: research. Allele origin: unknown. Affected: yes. Observed: 1 variant allele. Not counted in ClinVar's aggregate classification.

Literature cited by the submitters: PubMed 19357117 (cited by Labcorp Genetics (formerly Invitae), Labcorp); PubMed 22135276 (cited by Labcorp Genetics (formerly Invitae), Labcorp); PubMed 22147658 (cited by Labcorp Genetics (formerly Invitae), Labcorp); PubMed 26226137 (cited by Labcorp Genetics (formerly Invitae), Labcorp); PubMed 30718709 (cited by Labcorp Genetics (formerly Invitae), Labcorp); PubMed 31047384 (cited by Labcorp Genetics (formerly Invitae), Labcorp); PubMed 32467589 (cited by Labcorp Genetics (formerly Invitae), Labcorp); PubMed 28041643 (cited by Labcorp Genetics (formerly Invitae), Labcorp and NIHR Bioresource Rare Diseases, University of Cambridge).

NM_032119.4(ADGRV1):c.8807C>G (p.Ser2936Ter)

Gene: ADGRV1 (adhesion G protein-coupled receptor V1; plus strand). Cytogenetic location: 5q14.3.
Variant type: single nucleotide variant.
Coding change: c.8807C>G on transcript NM_032119.4 (MANE Select); coding-DNA position 8807, C replaced by G.
Protein change: p.Ser2936Ter; replaces serine 2936 with a stop codon.
Molecular consequence: nonsense. On other transcripts: non-coding transcript variant (1).
Genome position (GRCh38, 1-based): chr5:90,708,892, C>G. VCF-style: chr5-90708892-C-G. GRCh37 (hg19) VCF-style: chr5-90004709-C-G.
Other names: short protein forms S2936*.
Identifiers: ClinVar variation 438171 (VCV000438171.5), dbSNP rs1554090072, ClinGen allele CA360393636.
Genomic context (GRCh38, chr5:90,708,892, plus strand): 5'-TAGAAGAATATTTCCTGGTGAATTTAACTTACGTTGGACTTACCATGGCTGCTTCAACTT[C>G]ATTTCCTCCCAGACTAGGTATGAGGGGTTTCTTGTTTGTTTCTTTTTGCTCACTTCAAAT-3'